The following is an entry in ClinVar:

NC_000002.11:g.(?_179659854)_(179661632_?)del

Gene: TTN (titin; minus strand). Cytogenetic location: 2q31.2.
Variant type: Deletion.
Identifiers: ClinVar variation 2424041 (VCV002424041.6).

ClinVar aggregate classification (germline): Uncertain significance (1 of 4 stars; one submission).

Conditions:
Dilated cardiomyopathy 1G (CMD1G). Identifiers: Orphanet 154, MedGen C1858763, MONDO:0011400, OMIM 604145.
Autosomal recessive limb-girdle muscular dystrophy type 2J (LGMDR10). Also called: MUSCULAR DYSTROPHY, LIMB-GIRDLE, AUTOSOMAL RECESSIVE 10; Limb-girdle muscular dystrophy, type 2J. Identifiers: Orphanet 140922, MedGen C1837342, MONDO:0012127, OMIM 608807.

Submission:

Labcorp Genetics (formerly Invitae), Labcorp
Classification: Uncertain significance for Dilated cardiomyopathy 1G; Autosomal recessive limb-girdle muscular dystrophy type 2J. Last evaluated: 2022-06-10. Review status: criteria provided, single submitter. Criteria: Invitae Variant Classification Sherloc (09022015). Collection method: clinical testing. Allele origin: germline.
Comment: In summary, the available evidence is currently insufficient to determine the role of this variant in disease. Therefore, it has been classified as a Variant of Uncertain Significance. This variant is located in the Z band of TTN (PMID: 25589632). Variants in this region may be clinically relevant, but have not been definitively shown to cause cardiomyopathy or neuromuscular disease (PMID: 27493940, 32778822). This variant has not been reported in the literature in individuals affected with TTN-related conditions. This variant results in the deletion of part of exon 7 (c.915-1653_1040del) of the TTN gene. It is expected to disrupt RNA splicing and likely results in a truncated or disrupted TTN protein.

Literature cited by the submitters: PubMed 25589632; PubMed 27493940; PubMed 32778822.